The following is an entry in ClinVar:

NM_207361.6(FREM2):c.6819A>C (p.Arg2273Ser)

Gene: FREM2 (FRAS1 related extracellular matrix 2; plus strand). Cytogenetic location: 13q13.3.
Variant type: single nucleotide variant.
Coding change: c.6819A>C on transcript NM_207361.6 (MANE Select); coding-DNA position 6819, A replaced by C.
Protein change: p.Arg2273Ser; replaces arginine 2273 with serine.
Molecular consequence: missense variant.
Genome position (GRCh38, 1-based): chr13:38,851,762, A>C. VCF-style: chr13-38851762-A-C. GRCh37 (hg19) VCF-style: chr13-39425899-A-C.
Other names: short protein forms R2273S.
Identifiers: ClinVar variation 3253161 (VCV003253161.2), dbSNP rs202205485.

ClinVar aggregate classification (germline): Uncertain significance. Review status: criteria provided, multiple submitters, no conflicts (2 of 4 stars). 2 submissions from 2 submitters: Uncertain significance (2). Last evaluated 2024-06-24.

Conditions:
Isolated cryptophthalmia. Also called: Cryptophthalmos, unilateral or bilateral, isolated; ANKYLOBLEPHARON, SIMPLE. Identifiers: Orphanet 91396, MedGen C1852453, MONDO:0007410, OMIM 123570.
Fraser syndrome 2 (FRASRS2). Identifiers: MedGen C4540036, MONDO:0054738, OMIM 617666.

Allele frequency attached by ClinVar (database versions not stated): ExAC 0.00001; gnomAD 0.00001; TOPMed 0.00003; gnomAD exomes 0.00006.
gnomAD v4.1: 88 of 1,613,686 alleles (0.0055%); highest among the groups gnomAD compares: Non-Finnish European, 0.007%; no homozygotes.

Submissions (2):

GeneDx
Classification: Uncertain significance. Last evaluated: 2024-06-24. Review status: criteria provided, single submitter. Criteria: GeneDx Variant Classification Process June 2021. Collection method: clinical testing. Allele origin: germline. Affected: yes.
Comment: In silico analysis indicates that this missense variant does not alter protein structure/function; Has not been previously published as pathogenic or benign to our knowledge

Fulgent Genetics
Classification: Uncertain significance for Isolated cryptophthalmia; Fraser syndrome 2. Last evaluated: 2024-04-16. Review status: criteria provided, single submitter. Criteria: ACMG Guidelines, 2015. Collection method: clinical testing. Allele origin: germline.